The following is an entry in ClinVar:

ClinVar aggregate classification (germline): Likely benign (1 of 4 stars; one submission).

Conditions:
Wilms tumor 1 (WT1). Also called: Wilms tumor, somatic. Identifiers: Orphanet 654, MedGen CN033288, MONDO:0008679, OMIM 194070.

Submission:

All of Us Research Program, National Institutes of Health
Classification: Likely benign for Wilms tumor 1. Last evaluated: 2023-08-15. Review status: criteria provided, single submitter. Criteria: ACMG Guidelines, 2015. Collection method: clinical testing. Allele origin: germline. Inheritance: Autosomal dominant inheritance. Observed: 1 variant allele, 1 heterozygote.
Comment: This study involves interpretation of variants in research participants for the purpose of population health screening. Participant phenotype was not available at the time of variant classification. Additional details can be found in publication PMID: 35346344, PMCID: PMC8962531

NM_024426.6(WT1):c.777C>G (p.Gly259=)

Gene: WT1 (WT1 transcription factor; minus strand). Cytogenetic location: 11p13.
Variant type: single nucleotide variant.
Coding change: c.777C>G on transcript NM_024426.6 (MANE Select); coding-DNA position 777, C replaced by G.
Protein change: p.Gly259=; no amino-acid change (glycine 259 retained).
Molecular consequence: synonymous variant. On other transcripts: non-coding transcript variant (2), intron variant (2).
Genome position (GRCh38, 1-based): chr11:32,428,504, G>C on the plus strand (C>G on the coding strand, the complement: WT1 is on the minus strand). VCF-style: chr11-32428504-G-C. GRCh37 (hg19) VCF-style: chr11-32450050-G-C.
Other names: c.777C>G, p.Gly259= (NM_000378.6, NM_001407044.1, NM_001407045.1 and 4 more transcripts); c.126C>G, p.Gly42= (NM_001198551.2, NM_001198552.2); c.15C>G, p.Gly5= (NM_001407051.1); c.558C>G, p.Gly186= (NM_001429031.1, NM_001429032.1, NM_001429033.1 and 1 more transcripts); c.762C>G, p.Gly254= (NM_024425.2); c.662-446C>G (NM_001407050.1, NM_001407047.1).
Identifiers: ClinVar variation 3072850 (VCV003072850.1), dbSNP rs1395854761, ClinGen allele CA473570163.
Genomic context (GRCh38, chr11:32,428,504, plus strand): 5'-GAGGATAGCACGGAAGAAGGGGAGAAGGACTCCACTTGGTTCCGCTCGCTTACCCAGCGA[G>C]CCCTGCTGGCCCATGGGATCCTCATGCTTGAATGAGTGGTTGGGGAACTGCGCCGCATGG-3'
Protein context (NP_077744.4, residues 249-269): FKHEDPMGQQ[Gly259=]SLGEQQYSVP